The following is an entry in ClinVar:

NM_174936.4(PCSK9):c.387C>T (p.Asp129=)

Gene: PCSK9 (proprotein convertase subtilisin/kexin type 9; plus strand). Cytogenetic location: 1p32.3.
Variant type: single nucleotide variant.
Coding change: c.387C>T on transcript NM_174936.4 (MANE Select); coding-DNA position 387, C replaced by T.
Protein change: p.Asp129=; no amino-acid change (aspartic acid 129 retained).
Molecular consequence: synonymous variant.
Genome position (GRCh38, 1-based): chr1:55,044,022, C>T. VCF-style: chr1-55044022-C-T. GRCh37 (hg19) VCF-style: chr1-55509695-C-T.
Identifiers: ClinVar variation 1670793 (VCV001670793.11), dbSNP rs1644616734, ClinGen allele CA417957580.

ClinVar aggregate classification (germline): Likely benign. Review status: criteria provided, multiple submitters, no conflicts (2 of 4 stars). 4 submissions from 4 submitters: Likely benign (4). Last evaluated 2023-11-05.

Conditions:
Familial hypercholesterolemia. Also called: Familial hypercholesterolemias; Familial hypercholesterolaemia. Identifiers: MedGen C0020445, MONDO:0005439.
Hypercholesterolemia, autosomal dominant, 3 (FHCL3). Also called: Familial hypercholesterolemia 3; PCSK9-Related Familial Hypercholesterolemia, Autosomal Dominant; Familial Hypercholesterolemia, Autosomal Dominant, 3. Identifiers: MedGen C1863551, MONDO:0011369, OMIM 603776.

Allele frequency attached by ClinVar (database versions not stated): gnomAD exomes below 0.00001; TOPMed below 0.00001.

Submissions (4):

Labcorp Genetics (formerly Invitae), Labcorp
Classification: Likely benign for Hypercholesterolemia, autosomal dominant, 3. Last evaluated: 2023-11-05. Review status: criteria provided, single submitter. Criteria: Invitae Variant Classification Sherloc (09022015). Collection method: clinical testing. Allele origin: germline.

All of Us Research Program, National Institutes of Health
Classification: Likely benign for Hypercholesterolemia, autosomal dominant, 3. Last evaluated: 2023-10-23. Review status: criteria provided, single submitter. Criteria: ACMG Guidelines, 2015. Collection method: clinical testing. Allele origin: germline. Inheritance: Autosomal dominant inheritance. Observed: 1 variant allele, 1 heterozygote.
Comment: This study involves interpretation of variants in research participants for the purpose of population health screening. Participant phenotype was not available at the time of variant classification. Additional details can be found in publication PMID: 35346344, PMCID: PMC8962531

Color Diagnostics, LLC DBA Color Health
Classification: Likely benign for Familial hypercholesterolemia. Last evaluated: 2023-10-05. Review status: criteria provided, single submitter. Criteria: ACMG Guidelines, 2015. Collection method: clinical testing. Allele origin: germline.

GENinCode PLC
Classification: Likely benign for Familial hypercholesterolemia. Last evaluated: 2023-10-03. Review status: criteria provided, single submitter. Criteria: ACMG Guidelines, 2015. Collection method: clinical testing. Allele origin: germline.
Comment: This is a synonymous (silent) variant that is not predicted by SpliceAI to impact splicing. In addition, it occurs at a nucleotide that is not conserved. Therefore this variant has been classified as Likely Benign (BP4, BP7).